The following is an entry in ClinVar:

ClinVar aggregate classification (germline): Uncertain significance. Review status: criteria provided, multiple submitters, no conflicts (2 of 4 stars). 2 submissions from 2 submitters: Uncertain significance (2). Last evaluated 2023-06-03.

Conditions:
Xeroderma pigmentosum, group F (XPF). Also called: XERODERMA PIGMENTOSUM, COMPLEMENTATION GROUP F; XERODERMA PIGMENTOSUM VI; XP, GROUP F; ERCC4-Related Xeroderma Pigmentosum; XERODERMA PIGMENTOSUM, TYPE F; Xeroderma pigmentosum, type 6. Identifiers: MedGen C0268140, MONDO:0010215, OMIM 278760.
Cockayne syndrome. Identifiers: Orphanet 191, MedGen C0009207, MONDO:0016006.
Fanconi anemia complementation group Q. Identifiers: Orphanet 84, MedGen C3808988, MONDO:0014108, OMIM 615272.

Allele frequency attached by ClinVar (database versions not stated): gnomAD 0.00003 and 0.00004; TOPMed 0.00003; gnomAD exomes 0.00008; ESP Exome Variant Server 0.00016.
gnomAD v4.1: 120 of 1,605,214 alleles (0.0075%); highest among the groups gnomAD compares: Non-Finnish European, 0.0098%; no homozygotes.

Submissions (2):

Labcorp Genetics (formerly Invitae), Labcorp
Classification: Uncertain significance for Fanconi anemia complementation group Q; Xeroderma pigmentosum, group F; Cockayne syndrome. Last evaluated: 2023-06-03. Review status: criteria provided, single submitter. Criteria: Invitae Variant Classification Sherloc (09022015). Collection method: clinical testing. Allele origin: germline.
Comment: This sequence change replaces serine, which is neutral and polar, with leucine, which is neutral and non-polar, at codon 3 of the ERCC4 protein (p.Ser3Leu). This variant is present in population databases (rs148904556, gnomAD 0.006%). This variant has not been reported in the literature in individuals affected with ERCC4-related conditions. ClinVar contains an entry for this variant (Variation ID: 291093). An algorithm developed to predict the effect of missense changes on protein structure and function (PolyPhen-2) suggests that this variant¬¨‚Ä†is likely to be tolerated. In summary, the available evidence is currently insufficient to determine the role of this variant in disease. Therefore, it has been classified as a Variant of Uncertain Significance.

Eurofins Ntd Llc (ga)
Classification: Uncertain significance. Last evaluated: 2016-09-01. Review status: criteria provided, single submitter. Criteria: EGL Classification Definitions 2015. Collection method: clinical testing. Allele origin: germline. Observed: 1 variant allele, 1 heterozygote.

NM_005236.3(ERCC4):c.8C>T (p.Ser3Leu)

Genes: ERCC4 (ERCC excision repair 4, endonuclease catalytic subunit; plus strand), LOC130058543 (ATAC-STARR-seq lymphoblastoid active region 10486; plus strand). Cytogenetic location: 16p13.12.
Variant type: single nucleotide variant.
Coding change: c.8C>T on transcript NM_005236.3 (MANE Select); coding-DNA position 8, C replaced by T.
Protein change: p.Ser3Leu; replaces serine 3 with leucine.
Molecular consequence: missense variant.
Genome position (GRCh38, 1-based): chr16:13,920,173, C>T. VCF-style: chr16-13920173-C-T. GRCh37 (hg19) VCF-style: chr16-14014030-C-T.
Other names: short protein forms S3L.
Identifiers: ClinVar variation 291093 (VCV000291093.7), dbSNP rs148904556, ClinGen allele CA7910055.
Genomic context (GRCh38, chr16:13,920,173, plus strand): 5'-ACTAGGAGTCGGCTTCCTTCGGCTGCGTTCGGCTGCGACCCGGAAGAGCTTCCATGGAGT[C>T]AGGGCAGCCGGCTCGACGGATTGCCATGGCGCCGCTGCTGGAGTACGAGCGACAGCTGGT-3'
Protein context (NP_005227.1, residues 1-13): ME[Ser3Leu]GQPARRIAMA